The following is an entry in ClinVar:

NM_014974.3(DIP2C):c.1336C>A (p.His446Asn)

Gene: DIP2C (DIP2 acetate--CoA ligase C (putative); minus strand). Cytogenetic location: 10p15.3.
Variant type: single nucleotide variant.
Coding change: c.1336C>A on transcript NM_014974.3 (MANE Select); coding-DNA position 1336, C replaced by A.
Protein change: p.His446Asn; replaces histidine 446 with asparagine.
Molecular consequence: missense variant.
Genome position (GRCh38, 1-based): chr10:390,788, G>T on the plus strand (C>A on the coding strand, the complement: DIP2C is on the minus strand). VCF-style: chr10-390788-G-T. GRCh37 (hg19) VCF-style: chr10-436728-G-T.
Other names: short protein forms H446N.
Identifiers: ClinVar variation 2961974 (VCV002961974.3), dbSNP rs1159290819, ClinGen allele CA375829720.

ClinVar aggregate classification (germline): Uncertain significance (1 of 4 stars; one submission).

Allele frequency attached by ClinVar (database versions not stated): gnomAD 0.00002; TOPMed 0.00002.
gnomAD v4.1: 5 of 1,614,024 alleles (0.00031%); highest among the groups gnomAD compares: Non-Finnish European, 0.00042%; no homozygotes.

Submission:

Labcorp Genetics (formerly Invitae), Labcorp
Classification: Uncertain significance. Last evaluated: 2023-08-20. Review status: criteria provided, single submitter. Criteria: Invitae Variant Classification Sherloc (09022015). Collection method: clinical testing. Allele origin: germline.
Comment: In summary, the available evidence is currently insufficient to determine the role of this variant in disease. Therefore, it has been classified as a Variant of Uncertain Significance. An algorithm developed to predict the effect of missense changes on protein structure and function (PolyPhen-2) suggests that this variant is likely to be tolerated. This variant has not been reported in the literature in individuals affected with DIP2C-related conditions. This variant is not present in population databases (gnomAD no frequency). This sequence change replaces histidine, which is basic and polar, with asparagine, which is neutral and polar, at codon 446 of the DIP2C protein (p.His446Asn).